The following is an entry in ClinVar:

ClinVar aggregate classification (germline): Pathogenic (1 of 4 stars; one submission).

Conditions:
Inborn genetic diseases. Identifiers: MedGen C0950123, MeSH D030342.

Submission:

Ambry Genetics
Classification: Pathogenic for Inborn genetic diseases. Last evaluated: 2025-08-05. Review status: criteria provided, single submitter. Criteria: Ambry Variant Classification Scheme 2023. Collection method: clinical testing. Allele origin: germline.
Comment: The c.3465_3466delGA (p.K1156Gfs*47) alteration, located in exon 23 (coding exon 23) of the KDM5C gene, consists of a deletion of 2 nucleotides from position 3465 to 3466, causing a translational frameshift with a predicted alternate stop codon after 47 amino acids. This alteration is expected to result in loss of function by premature protein truncation or nonsense-mediated mRNA decay. This variant was not reported in population-based cohorts in the Genome Aggregation Database (gnomAD). Based on the available evidence, this alteration is classified as pathogenic.

NM_004187.5(KDM5C):c.3465_3466del (p.Lys1156fs)

Gene: KDM5C (lysine demethylase 5C; minus strand). Cytogenetic location: Xp11.22.
Variant type: Deletion.
Coding change: c.3465_3466del on transcript NM_004187.5 (MANE Select); coding-DNA positions 3465 to 3466, 2 bases deleted (GA; older notation c.3465_3466delGA).
Protein change: p.Lys1156fs; shifts the reading frame from lysine 1156.
Molecular consequence: frameshift variant. On other transcripts: non-coding transcript variant (3).
Genome position (GRCh38, 1-based): chrX:53,194,711-53,194,712, TC deleted on the plus strand (GA on the coding strand, the reverse complement: KDM5C is on the minus strand); deleting any 2 consecutive bases within chrX:53,194,711-53,194,713 gives the same sequence; the c. name uses the placement nearest the transcript's 3' end. VCF-style (leftmost placement, unchanged base first): chrX-53194710-TTC-T. GRCh37 (hg19) VCF-style: chrX-53223892-TTC-T.
Other names: c.3465_3466del, p.Lys1156fs (NM_001353981.2, NM_001353984.2, NM_001353978.3); c.3462_3463del, p.Lys1155fs (NM_001353982.2, NM_001282622.3, NM_001353979.2); c.3264_3265del, p.Lys1089fs (NM_001146702.2); short protein forms K1089fs, K1155fs, K1156fs.
Identifiers: ClinVar variation 4091363 (VCV004091363.1).
Genomic context (GRCh38, chrX:53,194,710, plus strand): 5'-GCCAGTGGACTGGGCTTGGCCGAATTGGTGCGACGCAGCTGCAGGATACCCTCCTTCTCC[TTC>T]TGTTCCCCCTCCTTGAAGGCCACGATCTGCCATACCCAGGACAGGAGCAAAGTGGGTCAG-3'